The following is an entry in ClinVar:

NM_001164277.2(SLC37A4):c.524T>C (p.Leu175Pro)

Gene: SLC37A4 (solute carrier family 37 member 4; minus strand). Cytogenetic location: 11q23.3.
Variant type: single nucleotide variant.
Coding change: c.524T>C on transcript NM_001164277.2 (MANE Select); coding-DNA position 524, T replaced by C.
Protein change: p.Leu175Pro; replaces leucine 175 with proline.
Molecular consequence: missense variant.
Genome position (GRCh38, 1-based): chr11:119,027,730, A>G on the plus strand (T>C on the coding strand, the complement: SLC37A4 is on the minus strand). VCF-style: chr11-119027730-A-G. GRCh37 (hg19) VCF-style: chr11-118898440-A-G.
Other names: c.524T>C, p.Leu175Pro (NM_001164278.2, NM_001164280.2, NM_001467.6); c.305T>C, p.Leu102Pro (NM_001164279.2); short protein forms L175P, L102P.
Identifiers: ClinVar variation 4698637 (VCV004698637.1).
Genomic context (GRCh38, chr11:119,027,730, plus strand): 5'-CAACATCAGCAGGTTCATTGTGGATGAGCAGGAGACAGAGGAAGGAGACAACCACACCAC[A>G]GTGCCCCAGATAGGGCCAGCGTGCTGCGCCAGCTGTAGCTCTGGGCAAGGATGGTTGCCA-3'
Protein context (NP_001157749.1, residues 165-185): WRSTLALSGA[Leu175Pro]CVVVSFLCLL

ClinVar aggregate classification (germline): Uncertain significance (1 of 4 stars; one submission).

Conditions:
Glucose-6-phosphate transport defect (GSD1B). Also called: Glycogen Storage Disease Type Ib; GSD Ib. Identifiers: Orphanet 364, Orphanet 79259, MedGen C0268146, MONDO:0009288, OMIM 232220.

Submission:

Labcorp Genetics (formerly Invitae), Labcorp
Classification: Uncertain significance for Glucose-6-phosphate transport defect. Last evaluated: 2025-03-22. Review status: criteria provided, single submitter. Criteria: Invitae Variant Classification Sherloc (09022015). Collection method: clinical testing. Allele origin: germline.
Comment: This sequence change replaces leucine, which is neutral and non-polar, with proline, which is neutral and non-polar, at codon 175 of the SLC37A4 protein (p.Leu175Pro). This variant is present in population databases (no rsID available, gnomAD no frequency). This variant has not been reported in the literature in individuals affected with SLC37A4-related conditions. Invitae Evidence Modeling of protein sequence and biophysical properties (such as structural, functional, and spatial information, amino acid conservation, physicochemical variation, residue mobility, and thermodynamic stability) indicates that this missense variant is not expected to disrupt SLC37A4 protein function with a negative predictive value of 80%. In summary, the available evidence is currently insufficient to determine the role of this variant in disease. Therefore, it has been classified as a Variant of Uncertain Significance.